The following is an entry in ClinVar:

NM_153026.3(PRICKLE1):c.400A>C (p.Asn134His)

Gene: PRICKLE1 (prickle planar cell polarity protein 1; minus strand). Cytogenetic location: 12q12.
Variant type: single nucleotide variant.
Coding change: c.400A>C on transcript NM_153026.3 (MANE Select); coding-DNA position 400, A replaced by C.
Protein change: p.Asn134His; replaces asparagine 134 with histidine.
Molecular consequence: missense variant.
Genome position (GRCh38, 1-based): chr12:42,468,814, T>G on the plus strand (A>C on the coding strand, the complement: PRICKLE1 is on the minus strand). VCF-style: chr12-42468814-T-G. GRCh37 (hg19) VCF-style: chr12-42862616-T-G.
Other names: c.400A>C, p.Asn134His (NM_001144881.2, NM_001144882.2, NM_001144883.2); short protein forms N134H.
Identifiers: ClinVar variation 469511 (VCV000469511.8), dbSNP rs200558941, ClinGen allele CA6519918.

ClinVar aggregate classification (germline): Uncertain significance (1 of 4 stars; one submission).

Conditions:
Epilepsy, progressive myoclonic, 1B. Also called: PME. Identifiers: Orphanet 308, MedGen C2676254, MONDO:0012904, OMIM 612437.

Allele frequency attached by ClinVar (database versions not stated): gnomAD exomes below 0.00001; ExAC 0.00001; gnomAD 0.00001; TOPMed 0.00001; 1000 Genomes Project 30x 0.00016; 1000 Genomes Project 0.00020.
gnomAD v4.1: 3 of 1,614,142 alleles (0.00019%); highest among the groups gnomAD compares: African/African-American, 0.004%; no homozygotes.

Submission:

Labcorp Genetics (formerly Invitae), Labcorp
Classification: Uncertain significance for Epilepsy, progressive myoclonic, 1B. Last evaluated: 2022-03-19. Review status: criteria provided, single submitter. Criteria: Invitae Variant Classification Sherloc (09022015). Collection method: clinical testing. Allele origin: germline.
Comment: In summary, the available evidence is currently insufficient to determine the role of this variant in disease. Therefore, it has been classified as a Variant of Uncertain Significance. Algorithms developed to predict the effect of missense changes on protein structure and function (SIFT, PolyPhen-2, Align-GVGD) all suggest that this variant is likely to be disruptive. ClinVar contains an entry for this variant (Variation ID: 469511). This variant has not been reported in the literature in individuals affected with PRICKLE1-related conditions. This variant is present in population databases (rs200558941, gnomAD 0.007%). This sequence change replaces asparagine, which is neutral and polar, with histidine, which is basic and polar, at codon 134 of the PRICKLE1 protein (p.Asn134His).